The following is an entry in ClinVar:

NM_000048.4(ASL):c.122G>A (p.Gly41Asp)

Gene: ASL (argininosuccinate lyase; plus strand). Cytogenetic location: 7q11.21.
Variant type: single nucleotide variant.
Coding change: c.122G>A on transcript NM_000048.4 (MANE Select); coding-DNA position 122, G replaced by A.
Protein change: p.Gly41Asp; replaces glycine 41 with aspartic acid.
Molecular consequence: missense variant.
Genome position (GRCh38, 1-based): chr7:66,081,912, G>A. VCF-style: chr7-66081912-G-A. GRCh37 (hg19) VCF-style: chr7-65546899-G-A.
Other names: c.122G>A, p.Gly41Asp (NM_001024943.2, NM_001024944.2, NM_001024946.2); short protein forms G41D.
Identifiers: ClinVar variation 577337 (VCV000577337.8), dbSNP rs1562737230, ClinGen allele CA367638152.

ClinVar aggregate classification (germline): Pathogenic (1 of 4 stars; one submission).

Conditions:
Argininosuccinate lyase deficiency. Also called: Argininosuccinic aciduria; ARGININOSUCCINIC ACID LYASE DEFICIENCY; ASL DEFICIENCY. Identifiers: Orphanet 23, MedGen C0268547, MONDO:0008815, OMIM 207900, HP:0025630.

Submission:

Labcorp Genetics (formerly Invitae), Labcorp
Classification: Pathogenic for Argininosuccinate lyase deficiency. Last evaluated: 2026-01-11. Review status: criteria provided, single submitter. Criteria: Invitae Variant Classification Sherloc (09022015). Collection method: clinical testing. Allele origin: germline.
Comment: This sequence change replaces glycine, which is neutral and non-polar, with aspartic acid, which is acidic and polar, at codon 41 of the ASL protein (p.Gly41Asp). This variant is not present in population databases (gnomAD no frequency). This missense change has been observed in individual(s) with argininosuccinate lyase deficiency (internal data). ClinVar contains an entry for this variant (Variation ID: 577337). Invitae Evidence Modeling of protein sequence and biophysical properties (such as structural, functional, and spatial information, amino acid conservation, physicochemical variation, residue mobility, and thermodynamic stability) indicates that this missense variant is expected to disrupt ASL protein function with a positive predictive value of 95%. For these reasons, this variant has been classified as Pathogenic.